The following is an entry in ClinVar:

ClinVar aggregate classification (germline): Pathogenic (1 of 4 stars; one submission).

Conditions:
Familial adenomatous polyposis 1 (FAP1). Also called: FAMILIAL ADENOMATOUS POLYPOSIS 1, ATTENUATED; POLYPOSIS, ADENOMATOUS INTESTINAL. Identifiers: MedGen C2713442, MONDO:0021056, OMIM 175100. Disease mechanism: loss of function.

Submission:

Labcorp Genetics (formerly Invitae), Labcorp
Classification: Pathogenic for Familial adenomatous polyposis 1. Last evaluated: 2025-08-30. Review status: criteria provided, single submitter. Criteria: Invitae Variant Classification Sherloc (09022015). Collection method: clinical testing. Allele origin: germline.
Comment: This sequence change creates a premature translational stop signal (p.Ser1042Lysfs*6) in the APC gene. While this is not anticipated to result in nonsense mediated decay, it is expected to disrupt the last 1802 amino acid(s) of the APC protein. This variant is not present in population databases (gnomAD no frequency). This variant has not been reported in the literature in individuals affected with APC-related conditions. This variant is expected to disrupt the EB1 and HDLG binding sites, which mediate interactions with the cytoskeleton (PMID: 15311282, 17293347). While functional studies have not been performed to directly test the effect on APC protein function, this suggests that disruption of the C-terminal portion of the protein is functionally important. A different truncation (p.Tyr2645Lysfs*14) that lies downstream of this variant has been determined to be pathogenic (PMID: 9824584, 1316610, 27081525, 8381579, 22135120, internal data). This suggests that deletion of this region of the APC protein is causative of disease. For these reasons, this variant has been classified as Pathogenic.

Literature cited by the submitters: PubMed 15311282; PubMed 17293347; PubMed 9824584; PubMed 1316610; PubMed 27081525; PubMed 8381579; PubMed 22135120.

NM_000038.6(APC):c.3124dup (p.Ser1042fs)

Gene: APC (APC regulator of Wnt signaling pathway; plus strand). Cytogenetic location: 5q22.2.
Variant type: Duplication.
Coding change: c.3124dup on transcript NM_000038.6 (MANE Select); coding-DNA position 3124, one base duplicated (A; older notation c.3124dupA).
Protein change: p.Ser1042fs; shifts the reading frame from serine 1042.
Molecular consequence: frameshift variant. On other transcripts: non-coding transcript variant (2).
Genome position (GRCh38, 1-based): chr5:112,838,718, A duplicated; the last of 3 consecutive A bases (chr5:112,838,716-112,838,718); duplicating any one gives the same sequence. VCF-style (leftmost placement, unchanged base first): chr5-112838715-C-CA. GRCh37 (hg19) VCF-style: chr5-112174412-C-CA.
Other names: c.2821dup, p.Ser941fs (NM_001407460.1, NM_001354903.2, NM_001407458.1 and 1 more transcripts); c.2737dup, p.Ser913fs (NM_001407467.1, NM_001407469.1); c.2275dup, p.Ser759fs (NM_001407470.1, NM_001354906.2); c.1972dup, p.Ser658fs (NM_001407471.1, NM_001407472.1); c.3124dup, p.Ser1042fs (NM_001127510.3, NM_001354895.2, NM_001407450.1); c.3070dup, p.Ser1024fs (NM_001127511.3); c.3178dup, p.Ser1060fs (NM_001354896.2, NM_001407447.1, NM_001407448.1 and 1 more transcripts); c.3154dup, p.Ser1052fs (NM_001354897.2); and 11 more; short protein forms S759fs, S941fs, S1014fs, S1070fs, S658fs, S916fs, S959fs, S1001fs.
Identifiers: ClinVar variation 4753268 (VCV004753268.1).